The following is an entry in ClinVar:

NM_014324.6(AMACR):c.182G>C (p.Arg61Pro)

Genes: C1QTNF3-AMACR (C1QTNF3-AMACR readthrough (NMD candidate); minus strand), AMACR (alpha-methylacyl-CoA racemase; minus strand). Cytogenetic location: 5p13.2.
Variant type: single nucleotide variant.
Coding change: c.182G>C on transcript NM_014324.6 (MANE Select); coding-DNA position 182, G replaced by C.
Protein change: p.Arg61Pro; replaces arginine 61 with proline.
Molecular consequence: missense variant.
Genome position (GRCh38, 1-based): chr5:34,007,838, C>G on the plus strand (G>C on the coding strand, the complement: AMACR is on the minus strand). VCF-style: chr5-34007838-C-G. GRCh37 (hg19) VCF-style: chr5-34007943-C-G.
Other names: p.Arg61Pro; c.182G>C, p.Arg61Pro (NM_001167595.2, NM_203382.3); c.182G>C (NM_014324.5); short protein forms R61P.
Identifiers: ClinVar variation 596449 (VCV000596449.11), dbSNP rs765322702, ClinGen allele CA3226282.

ClinVar aggregate classification (germline): Uncertain significance. Review status: criteria provided, multiple submitters, no conflicts (2 of 4 stars). 5 submissions from 5 submitters: Uncertain significance (5). Last evaluated 2026-02-02.

Conditions:
Inborn genetic diseases. Identifiers: MedGen C0950123, MeSH D030342.
Congenital bile acid synthesis defect 4 (CBAS4). Also called: TRIHYDROXYCOPROSTANIC ACID IN BILE; CHOLESTASIS, INTRAHEPATIC, WITH DEFECTIVE CONVERSION OF TRIHYDROXYCOPROSTANIC ACID TO CHOLIC ACID. Identifiers: Orphanet 79095, MedGen C1858328, MONDO:0008967, OMIM 214950.
Alpha-methylacyl-CoA racemase deficiency (AMACRD). Also called: AMACR deficiency. Identifiers: Orphanet 79095, MedGen C3280428, MONDO:0013681, OMIM 614307. Disease mechanism: loss of function.

Allele frequency attached by ClinVar (database versions not stated): gnomAD exomes 0.00005; ExAC 0.00018; gnomAD 0.00023 and 0.00026; TOPMed 0.00023.

Submissions (5):

Labcorp Genetics (formerly Invitae), Labcorp
Classification: Uncertain significance for Alpha-methylacyl-CoA racemase deficiency. Last evaluated: 2026-02-02. Review status: criteria provided, single submitter. Criteria: Invitae Variant Classification Sherloc (09022015). Collection method: clinical testing. Allele origin: germline.
Comment: This sequence change replaces arginine, which is basic and polar, with proline, which is neutral and non-polar, at codon 61 of the AMACR protein (p.Arg61Pro). This variant is present in population databases (rs765322702, gnomAD 0.08%). This variant has not been reported in the literature in individuals affected with AMACR-related conditions. ClinVar contains an entry for this variant (Variation ID: 596449). Invitae Evidence Modeling of protein sequence and biophysical properties (such as structural, functional, and spatial information, amino acid conservation, physicochemical variation, residue mobility, and thermodynamic stability) indicates that this missense variant is not expected to disrupt AMACR protein function with a negative predictive value of 80%. In summary, the available evidence is currently insufficient to determine the role of this variant in disease. Therefore, it has been classified as a Variant of Uncertain Significance.

Mayo Clinic Laboratories, Mayo Clinic
Classification: Uncertain significance. Last evaluated: 2024-09-06. Review status: criteria provided, single submitter. Criteria: ACMG Guidelines, 2015. Collection method: clinical testing. Allele origin: germline. Observed: 1 variant allele.
Comment: BP4, PM2

Ambry Genetics
Classification: Uncertain significance for Inborn genetic diseases. Last evaluated: 2024-08-12. Review status: criteria provided, single submitter. Criteria: Ambry Variant Classification Scheme 2023. Collection method: clinical testing. Allele origin: germline.

Fulgent Genetics
Classification: Uncertain significance for Congenital bile acid synthesis defect 4; Alpha-methylacyl-CoA racemase deficiency. Last evaluated: 2021-07-27. Review status: criteria provided, single submitter. Criteria: ACMG Guidelines, 2015. Collection method: clinical testing. Allele origin: unknown.

Eurofins Ntd Llc (ga)
Classification: Uncertain significance. Last evaluated: 2018-03-08. Review status: criteria provided, single submitter. Criteria: EGL ClinVar v180209 classification definitions. Collection method: clinical testing. Allele origin: germline. Observed: 1 variant allele, 1 heterozygote.